The following is an entry in ClinVar:

ClinVar aggregate classification (germline): Uncertain significance (1 of 4 stars; one submission).

Submission:

GeneDx
Classification: Uncertain significance. Last evaluated: 2024-05-10. Review status: criteria provided, single submitter. Criteria: GeneDx Variant Classification Process June 2021. Collection method: clinical testing. Allele origin: germline. Affected: yes.
Comment: Not observed at significant frequency in large population cohorts (gnomAD); In silico analysis supports that this missense variant has a deleterious effect on protein structure/function; Has not been previously published as pathogenic or benign to our knowledge

NM_138383.3(MTSS2):c.1790C>A (p.Thr597Lys)

Gene: MTSS2 (MTSS I-BAR domain containing 2; minus strand). Cytogenetic location: 16q22.1.
Variant type: single nucleotide variant.
Coding change: c.1790C>A on transcript NM_138383.3 (MANE Select); coding-DNA position 1790, C replaced by A.
Protein change: p.Thr597Lys; replaces threonine 597 with lysine.
Molecular consequence: missense variant.
Genome position (GRCh38, 1-based): chr16:70,664,131, G>T on the plus strand (C>A on the coding strand, the complement: MTSS2 is on the minus strand). VCF-style: chr16-70664131-G-T. GRCh37 (hg19) VCF-style: chr16-70698034-G-T.
Other names: short protein forms T597K.
Identifiers: ClinVar variation 3375723 (VCV003375723.1).